The following is an entry in ClinVar:

ClinVar aggregate classification (germline): Uncertain significance (1 of 4 stars; one submission).

Submission:

CeGaT Center for Human Genetics Tuebingen
Classification: Uncertain significance. Last evaluated: 2024-02-01. Review status: criteria provided, single submitter. Criteria: CeGaT Center For Human Genetics Tuebingen Variant Classification Criteria Version 2. Collection method: clinical testing. Allele origin: germline. Affected: yes. Observed: 1 variant allele.
Comment: DNA2: PM2

NM_001080449.3(DNA2):c.2898del (p.Asp967fs)

Gene: DNA2 (DNA replication helicase/nuclease 2; minus strand). Cytogenetic location: 10q21.3.
Variant type: Deletion.
Coding change: c.2898del on transcript NM_001080449.3 (MANE Select); coding-DNA position 2898, one base deleted (A; older notation c.2898delA).
Protein change: p.Asp967fs; shifts the reading frame from aspartic acid 967.
Molecular consequence: frameshift variant. On other transcripts: non-coding transcript variant (1).
Genome position (GRCh38, 1-based): chr10:68,419,103, T deleted on the plus strand (A on the coding strand, the reverse complement: DNA2 is on the minus strand). VCF-style (leftmost placement, unchanged base first): chr10-68419102-CT-C. GRCh37 (hg19) VCF-style: chr10-70178859-CT-C.
Other names: short protein forms D967fs.
Identifiers: ClinVar variation 806495 (VCV000806495.42), dbSNP rs1590045526, ClinGen allele CA915945931.